The following is an entry in ClinVar:

ClinVar aggregate classification (germline): Pathogenic (1 of 4 stars; one submission).

Conditions:
Cerebral cavernous malformation 2. Also called: Familial Cerebral Cavernous Malformation 2. Identifiers: Orphanet 221061, MedGen C1864041, MONDO:0011304, OMIM 603284.

Submission:

Labcorp Genetics (formerly Invitae), Labcorp
Classification: Pathogenic for Cerebral cavernous malformation 2. Last evaluated: 2018-08-27. Review status: criteria provided, single submitter. Criteria: Invitae Variant Classification Sherloc (09022015). Collection method: clinical testing. Allele origin: germline.
Comment: This sequence change creates a premature translational stop signal (p.Ile136Alafs*4) in the CCM2 gene. It is expected to result in an absent or disrupted protein product. This variant is not present in population databases (ExAC no frequency). This variant has not been reported in the literature in individuals with CCM2-related disease. Loss-of-function variants in CCM2 are known to be pathogenic (PMID: 14624391, 17160895). For these reasons, this variant has been classified as Pathogenic.

Literature cited by the submitters: PubMed 14624391; PubMed 17160895.

NM_031443.4(CCM2):c.402_405dup (p.Ile136fs)

Gene: CCM2 (CCM2 scaffold protein; plus strand). Cytogenetic location: 7p13.
Variant type: Duplication.
Coding change: c.402_405dup on transcript NM_031443.4 (MANE Select); coding-DNA positions 402 to 405, 4 bases duplicated (GCCC; older notation c.402_405dupGCCC).
Protein change: p.Ile136fs; shifts the reading frame from isoleucine 136.
Molecular consequence: frameshift variant. On other transcripts: non-coding transcript variant (1).
Genome position (GRCh38, 1-based): chr7:45,064,576-45,064,579, GCCC duplicated. VCF-style (leftmost placement, unchanged base first): chr7-45064575-T-TGCCC. GRCh37 (hg19) VCF-style: chr7-45104174-T-TGCCC.
Other names: c.465_468dup, p.Ile157fs (NM_001029835.2); c.228_231dup, p.Ile78fs (NM_001167934.2, NM_001363459.2); c.402_405dup, p.Ile136fs (NM_001167935.2, NM_001363458.2); c.402_405dupGCCC (NM_031443.3); short protein forms I157fs, I136fs, I78fs.
Identifiers: ClinVar variation 661878 (VCV000661878.6), dbSNP rs1583970495, ClinGen allele CA915944923.
Genomic context (GRCh38, chr7:45,064,575, plus strand): 5'-GCCTGTCTGCGTACAACGTCAAGCTGGCCTGGAGGGACGGGGAGGATATCATCCTCAGGG[T>TGCCC]GCCCATCCATGACATCGCCGCCGTCTCCTATGTTCGGGATGACGCTGCACACCTGGTGGT-3'